The following is an entry in ClinVar:

ClinVar aggregate classification (germline): Uncertain significance (1 of 4 stars; one submission).

Submission:

GeneDx
Classification: Uncertain significance. Last evaluated: 2024-11-04. Review status: criteria provided, single submitter. Criteria: GeneDx Variant Classification Process June 2021. Collection method: clinical testing. Allele origin: germline. Affected: yes.
Comment: Not observed at significant frequency in large population cohorts (gnomAD); In silico analysis supports a deleterious effect on splicing; RNA studies from an outside laboratory (Labcorp) demonstrate that this variant leads to a portion of sequenced transcripts utilizing an alternate splice acceptor site in exon 15, which is predicted to result in an in-frame change that deletes 2 amino acids and replaces them with an isoleucine; Has not been previously published as pathogenic or benign to our knowledge

NM_015335.5(MED13L):c.2570-2A>G

Gene: MED13L (mediator complex subunit 13L; minus strand). Cytogenetic location: 12q24.21.
Variant type: single nucleotide variant.
Coding change: c.2570-2A>G on transcript NM_015335.5 (MANE Select); the canonical splice acceptor site of the intron before coding-DNA position 2570, A replaced by G.
Molecular consequence: splice acceptor variant.
Genome position (GRCh38, 1-based): chr12:115,997,232, T>C on the plus strand (A>G on the coding strand, the complement: MED13L is on the minus strand). VCF-style: chr12-115997232-T-C. GRCh37 (hg19) VCF-style: chr12-116435037-T-C.
Identifiers: ClinVar variation 3897244 (VCV003897244.1).